The following is an entry in ClinVar:

NM_138713.4(NFAT5):c.2428A>C (p.Ser810Arg)

Gene: NFAT5 (nuclear factor of activated T cells 5; plus strand). Cytogenetic location: 16q22.1.
Variant type: single nucleotide variant.
Coding change: c.2428A>C on transcript NM_138713.4 (MANE Select); coding-DNA position 2428, A replaced by C.
Protein change: p.Ser810Arg; replaces serine 810 with arginine.
Molecular consequence: missense variant.
Genome position (GRCh38, 1-based): chr16:69,692,253, A>C. VCF-style: chr16-69692253-A-C. GRCh37 (hg19) VCF-style: chr16-69726156-A-C.
Other names: c.2425A>C, p.Ser809Arg (NM_001113178.3); c.1753A>C, p.Ser585Arg (NM_001367709.1); c.2374A>C, p.Ser792Arg (NM_006599.4); c.2146A>C, p.Ser716Arg (NM_138714.4, NM_173214.3, NM_173215.3); short protein forms S810R, S585R, S716R, S792R, S809R.
Identifiers: ClinVar variation 4725166 (VCV004725166.1).

ClinVar aggregate classification (germline): Uncertain significance (1 of 4 stars; one submission).

Conditions:
Immunodeficiency. Identifiers: MedGen C0021051, MONDO:0021094, HP:0002721.

Submission:

Labcorp Genetics (formerly Invitae), Labcorp
Classification: Uncertain significance for Immunodeficiency. Last evaluated: 2025-08-10. Review status: criteria provided, single submitter. Criteria: Invitae Variant Classification Sherloc (09022015). Collection method: clinical testing. Allele origin: germline.
Comment: This sequence change replaces serine, which is neutral and polar, with arginine, which is basic and polar, at codon 716 of the NFAT5 protein (p.Ser716Arg). This variant is not present in population databases (gnomAD no frequency). This variant has not been reported in the literature in individuals affected with NFAT5-related conditions. An algorithm developed to predict the effect of missense changes on protein structure and function (PolyPhen-2) suggests that this variant is likely to be tolerated. In summary, the available evidence is currently insufficient to determine the role of this variant in disease. Therefore, it has been classified as a Variant of Uncertain Significance.